The following is an entry in ClinVar:

NM_152383.5(DIS3L2):c.46C>G (p.Pro16Ala)

Gene: DIS3L2 (DIS3 like 3'-5' exoribonuclease 2; plus strand). Cytogenetic location: 2q37.1.
Variant type: single nucleotide variant.
Coding change: c.46C>G on transcript NM_152383.5 (MANE Select); coding-DNA position 46, C replaced by G.
Protein change: p.Pro16Ala; replaces proline 16 with alanine.
Molecular consequence: missense variant. On other transcripts: non-coding transcript variant (2).
Genome position (GRCh38, 1-based): chr2:232,014,973, C>G. VCF-style: chr2-232014973-C-G. GRCh37 (hg19) VCF-style: chr2-232879683-C-G.
Other names: c.46C>G, p.Pro16Ala (NM_001257281.2, NM_001257282.2); short protein forms P16A.
Identifiers: ClinVar variation 2813044 (VCV002813044.3), dbSNP rs974812898, ClinGen allele CA351151110.

ClinVar aggregate classification (germline): Uncertain significance (1 of 4 stars; one submission).

Conditions:
Perlman syndrome (PRLMNS). Identifiers: Orphanet 2849, MedGen C0796113, MONDO:0009965, OMIM 267000.

Submission:

Labcorp Genetics (formerly Invitae), Labcorp
Classification: Uncertain significance for Perlman syndrome. Last evaluated: 2022-12-11. Review status: criteria provided, single submitter. Criteria: Invitae Variant Classification Sherloc (09022015). Collection method: clinical testing. Allele origin: germline.
Comment: In summary, the available evidence is currently insufficient to determine the role of this variant in disease. Therefore, it has been classified as a Variant of Uncertain Significance. Algorithms developed to predict the effect of missense changes on protein structure and function (SIFT, PolyPhen-2, Align-GVGD) all suggest that this variant is likely to be tolerated. This variant has not been reported in the literature in individuals affected with DIS3L2-related conditions. This variant is not present in population databases (gnomAD no frequency). This sequence change replaces proline, which is neutral and non-polar, with alanine, which is neutral and non-polar, at codon 16 of the DIS3L2 protein (p.Pro16Ala).